The following is an entry in ClinVar:

NM_001134407.3(GRIN2A):c.*6451C>T

Gene: GRIN2A (glutamate ionotropic receptor NMDA type subunit 2A; minus strand). Cytogenetic location: 16p13.2.
Variant type: single nucleotide variant.
Coding change: c.*6451C>T on transcript NM_001134407.3 (MANE Select); 6451 bases downstream of the stop codon, C replaced by T.
Molecular consequence: 3 prime UTR variant.
Genome position (GRCh38, 1-based): chr16:9,756,698, G>A on the plus strand (C>T on the coding strand, the complement: GRIN2A is on the minus strand). VCF-style: chr16-9756698-G-A. GRCh37 (hg19) VCF-style: chr16-9850555-G-A.
Other names: c.*6451C>T (NM_000833.5); c.*6657C>T (NM_001134408.2).
Identifiers: ClinVar variation 885067 (VCV000885067.4), dbSNP rs199950051, ClinGen allele CA277529415.

ClinVar aggregate classification (germline): Benign (1 of 4 stars; one submission).

Conditions:
Landau-Kleffner syndrome (FESD). Also called: APHASIA, ACQUIRED, WITH EPILEPSY; EPILEPSY, FOCAL, WITH SPEECH DISORDER AND WITH OR WITHOUT MENTAL RETARDATION. Identifiers: Orphanet 1945, Orphanet 725, Orphanet 98818, MedGen C0282512, MONDO:0009509, OMIM 245570.

Allele frequency attached by ClinVar (database versions not stated): TOPMed 0.00007; gnomAD 0.00012 and 0.00009; 1000 Genomes Project 0.00080; 1000 Genomes Project 30x 0.00078; gnomAD exomes 0.00282.
gnomAD v4.1: 109 of 187,250 alleles (0.058%); highest among the groups gnomAD compares: East Asian, 0.9%; 2 homozygotes.

Submission:

Illumina Laboratory Services, Illumina
Classification: Benign for Landau-Kleffner syndrome. Last evaluated: 2018-01-12. Review status: criteria provided, single submitter. Criteria: ICSL Variant Classification Criteria 13 December 2019. Collection method: clinical testing. Allele origin: germline.
Comment: This variant was observed in the ICSL laboratory as part of a predisposition screen in an ostensibly healthy population. It had not been previously curated by ICSL or reported in the Human Gene Mutation Database (HGMD: prior to June 1st, 2018), and was therefore a candidate for classification through an automated scoring system. Utilizing variant allele frequency, disease prevalence and penetrance estimates, and inheritance mode, an automated score was calculated to assess if this variant is too frequent to cause the disease. Based on the score and internal cut-off values, a variant classified as benign is not then subjected to further curation. The score for this variant resulted in a classification of benign for this disease.